The following is an entry in ClinVar:

ClinVar aggregate classification (germline): Uncertain significance (1 of 4 stars; one submission).

Conditions:
Pulmonary fibrosis and/or bone marrow failure, Telomere-related, 3. Also called: PULMONARY FIBROSIS AND/OR BONE MARROW FAILURE SYNDROME, TELOMERE-RELATED, 3. Identifiers: Orphanet 2032, MedGen C4225346, MONDO:0014613, OMIM 616373.
Dyskeratosis congenita, autosomal recessive 5 (DKCB5). Identifiers: MedGen C3554656, MONDO:0014076, OMIM 615190.

gnomAD v4.1: 2 of 1,613,666 alleles (0.00012%); highest among the groups gnomAD compares: South Asian, 0.0011%; no homozygotes.

Submission:

Labcorp Genetics (formerly Invitae), Labcorp
Classification: Uncertain significance for Dyskeratosis congenita, autosomal recessive 5; Pulmonary fibrosis and/or bone marrow failure, Telomere-related, 3. Last evaluated: 2025-10-23. Review status: criteria provided, single submitter. Criteria: Invitae Variant Classification Sherloc (09022015). Collection method: clinical testing. Allele origin: germline.
Comment: This sequence change replaces asparagine, which is neutral and polar, with serine, which is neutral and polar, at codon 128 of the RTEL1 protein (p.Asn128Ser). This variant is not present in population databases (gnomAD no frequency). This variant has not been reported in the literature in individuals affected with RTEL1-related conditions. An algorithm developed to predict the effect of missense changes on protein structure and function outputs the following: PolyPhen-2: "Benign". The serine amino acid residue is found in multiple mammalian species, which suggests that this missense change does not adversely affect protein function. In summary, the available evidence is currently insufficient to determine the role of this variant in disease. Therefore, it has been classified as a Variant of Uncertain Significance.

NM_001283009.2(RTEL1):c.383A>G (p.Asn128Ser)

Genes: RTEL1 (regulator of telomere elongation helicase 1; plus strand), RTEL1-TNFRSF6B (RTEL1-TNFRSF6B readthrough (NMD candidate); plus strand). Cytogenetic location: 20q13.33.
Variant type: single nucleotide variant.
Coding change: c.383A>G on transcript NM_001283009.2 (MANE Select); coding-DNA position 383, A replaced by G.
Protein change: p.Asn128Ser; replaces asparagine 128 with serine.
Molecular consequence: missense variant. On other transcripts: non-coding transcript variant (1), 5 prime UTR variant (1).
Genome position (GRCh38, 1-based): chr20:63,661,931, A>G. VCF-style: chr20-63661931-A-G. GRCh37 (hg19) VCF-style: chr20-62293284-A-G.
Other names: c.-287A>G (NM_001283010.1); c.383A>G, p.Asn128Ser (NM_016434.4, NM_032957.5); short protein forms N128S.
Identifiers: ClinVar variation 4794580 (VCV004794580.1).